The following is an entry in ClinVar:

ClinVar aggregate classification (germline): Conflicting classifications of pathogenicity. Review status: criteria provided, conflicting classifications (1 of 4 stars). 3 submissions from 3 submitters: Likely pathogenic (1); Uncertain significance (2). Last evaluated 2025-06-13.

Allele frequency attached by ClinVar (database versions not stated): TOPMed 0.00002; gnomAD 0.00003.
gnomAD v4.1: 5 of 1,614,056 alleles (0.00031%); highest among the groups gnomAD compares: African/African-American, 0.0067%; no homozygotes.

Submissions (3):

Women's Health and Genetics/Laboratory Corporation of America, LabCorp
Classification: Uncertain significance. Last evaluated: 2025-06-13. Review status: criteria provided, single submitter. Criteria: LabCorp Variant Classification Summary - May 2015. Collection method: clinical testing. Allele origin: germline.
Comment: Variant summary: ABCA4 c.3305A>G (p.Asp1102Gly) results in a non-conservative amino acid change located in the ATP-binding cassette, ABC transporter-type domain (IPR003439) of the encoded protein sequence. Algorithms developed to predict the effect of missense changes on protein structure and function all suggest that this variant is likely to be disruptive. The variant allele was found at a frequency of 8e-06 in 251420 control chromosomes. To our knowledge, no occurrence of c.3305A>G in individuals affected with Retinitis Pigmentosa and no experimental evidence demonstrating its impact on protein function have been reported. A different variant affecting the same codon has been classified as likely pathogenic/pathogenic by our lab (c.3304G>T, p.Asp1102Tyr), supporting the critical relevance of codon 1102 to ABCA4 protein function. ClinVar contains an entry for this variant (Variation ID: 1046290). Based on the evidence outlined above, the variant was classified as VUS-possibly pathogenic.

Labcorp Genetics (formerly Invitae), Labcorp
Classification: Likely pathogenic. Last evaluated: 2023-07-07. Review status: criteria provided, single submitter. Criteria: Invitae Variant Classification Sherloc (09022015). Collection method: clinical testing. Allele origin: germline.
Comment: This sequence change replaces aspartic acid, which is acidic and polar, with glycine, which is neutral and non-polar, at codon 1102 of the ABCA4 protein (p.Asp1102Gly). In summary, the currently available evidence indicates that the variant is pathogenic, but additional data are needed to prove that conclusively. Therefore, this variant has been classified as Likely Pathogenic. This variant disrupts the p.Asp1102 amino acid residue in ABCA4. Other variant(s) that disrupt this residue have been determined to be pathogenic (PMID: 22427542; Invitae). This suggests that this residue is clinically significant, and that variants that disrupt this residue are likely to be disease-causing. Advanced modeling of protein sequence and biophysical properties (such as structural, functional, and spatial information, amino acid conservation, physicochemical variation, residue mobility, and thermodynamic stability) performed at Invitae indicates that this missense variant is expected to disrupt ABCA4 protein function. ClinVar contains an entry for this variant (Variation ID: 1046290). This variant has not been reported in the literature in individuals affected with ABCA4-related conditions. This variant is present in population databases (no rsID available, gnomAD 0.01%).

Blueprint Genetics
Classification: Uncertain significance. Last evaluated: 2022-04-06. Review status: criteria provided, single submitter. Criteria: ACMG Guidelines, 2015. Collection method: clinical testing. Allele origin: germline.

Literature cited by the submitters: PubMed 22427542 (cited by Labcorp Genetics (formerly Invitae), Labcorp).

NM_000350.3(ABCA4):c.3305A>G (p.Asp1102Gly)

Gene: ABCA4 (ATP binding cassette subfamily A member 4; minus strand). Cytogenetic location: 1p22.1.
Variant type: single nucleotide variant.
Coding change: c.3305A>G on transcript NM_000350.3 (MANE Select); coding-DNA position 3305, A replaced by G.
Protein change: p.Asp1102Gly; replaces aspartic acid 1102 with glycine.
Molecular consequence: missense variant.
Genome position (GRCh38, 1-based): chr1:94,042,784, T>C on the plus strand (A>G on the coding strand, the complement: ABCA4 is on the minus strand). VCF-style: chr1-94042784-T-C. GRCh37 (hg19) VCF-style: chr1-94508340-T-C.
Other names: c.3083A>G, p.Asp1028Gly (NM_001425324.1); short protein forms D1102G, D1028G.
Identifiers: ClinVar variation 1046290 (VCV001046290.12), dbSNP rs143689372, ClinGen allele CA26865409.